The following is an entry in ClinVar:

ClinVar aggregate classification (germline): Likely benign (1 of 4 stars; one submission).

Conditions:
Leigh syndrome (NULS). Also called: Leigh's necrotizing encephalopathy; Leigh's disease; Leigh Syndrome (mtDNA deletion); Leigh Disease; Subacute necrotizing encephalopathy; Necrotizing encephalopathy infantile subacute of Leigh. Identifiers: Orphanet 506, MedGen C2931891, MONDO:0009723, OMIM 256000.

Submission:

Wong Mito Lab, Molecular and Human Genetics, Baylor College of Medicine
Classification: Likely benign for Leigh syndrome. Last evaluated: 2019-10-17. Review status: criteria provided, single submitter. Criteria: Modified ACMG Guidelines (Unpublished). Collection method: clinical testing. Allele origin: germline.
Comment: The NC_012920.1:m.8974C>G (YP_003024031.1:p.Leu150Val) variant in MTATP6 gene is interpretated to be a Likely Benign variant based on the modified ACMG guidelines (unpublished). This variant meets the following evidence codes: BS1, BP4, BP6

NC_012920.1(MT-ATP6):m.8974C>G

Gene: MT-ATP6 (mitochondrially encoded ATP synthase 6; plus strand).
Variant type: single nucleotide variant.
Genome position: chrM-8974-C-G.
Identifiers: ClinVar variation 693040 (VCV000693040.1), dbSNP rs1603221949, ClinGen allele CA414801715.